The following is an entry in ClinVar:

NM_172107.4(KCNQ2):c.2090G>A (p.Gly697Asp)

Gene: KCNQ2 (potassium voltage-gated channel subfamily Q member 2; minus strand). Cytogenetic location: 20q13.33.
Variant type: single nucleotide variant.
Coding change: c.2090G>A on transcript NM_172107.4 (MANE Select); coding-DNA position 2090, G replaced by A.
Protein change: p.Gly697Asp; replaces glycine 697 with aspartic acid.
Molecular consequence: missense variant.
Genome position (GRCh38, 1-based): chr20:63,407,173, C>T on the plus strand (G>A on the coding strand, the complement: KCNQ2 is on the minus strand). VCF-style: chr20-63407173-C-T. GRCh37 (hg19) VCF-style: chr20-62038526-C-T.
Other names: c.2144G>A, p.Gly715Asp (NM_001382235.1); c.2006G>A, p.Gly669Asp (NM_004518.6); c.2036G>A, p.Gly679Asp (NM_172106.3); c.1997G>A, p.Gly666Asp (NM_172108.5); short protein forms G669D, G679D, G697D, G666D, G715D.
Identifiers: ClinVar variation 1361264 (VCV001361264.9), dbSNP rs1398433237, ClinGen allele CA409639016.

ClinVar aggregate classification (germline): Uncertain significance (1 of 4 stars; one submission).

Conditions:
Early-infantile DEE. Also called: Early infantile epileptic encephalopathy with suppression bursts; Early infantile epileptic encephalopathy; Ohtahara syndrome. Identifiers: Orphanet 1934, MedGen C0393706, MONDO:0800491.

Submission:

Labcorp Genetics (formerly Invitae), Labcorp
Classification: Uncertain significance for Early-infantile DEE. Last evaluated: 2025-12-13. Review status: criteria provided, single submitter. Criteria: Invitae Variant Classification Sherloc (09022015). Collection method: clinical testing. Allele origin: germline.
Comment: This sequence change replaces glycine, which is neutral and non-polar, with aspartic acid, which is acidic and polar, at codon 697 of the KCNQ2 protein (p.Gly697Asp). This variant is not present in population databases (gnomAD no frequency). This variant has not been reported in the literature in individuals affected with KCNQ2-related conditions. ClinVar contains an entry for this variant (Variation ID: 1361264). Invitae Evidence Modeling of protein sequence and biophysical properties (such as structural, functional, and spatial information, amino acid conservation, physicochemical variation, residue mobility, and thermodynamic stability) indicates that this missense variant is expected to disrupt KCNQ2 protein function with a positive predictive value of 95%. In summary, the available evidence is currently insufficient to determine the role of this variant in disease. Therefore, it has been classified as a Variant of Uncertain Significance.